The following is an entry in ClinVar:

NM_001953.5(TYMP):c.766-1G>C

Gene: TYMP (thymidine phosphorylase; minus strand). Cytogenetic location: 22q13.33.
Variant type: single nucleotide variant.
Coding change: c.766-1G>C on transcript NM_001953.5 (MANE Select); the canonical splice acceptor site of the intron before coding-DNA position 766, G replaced by C.
Molecular consequence: splice acceptor variant.
Genome position (GRCh38, 1-based): chr22:50,526,739, C>G on the plus strand (G>C on the coding strand, the complement: TYMP is on the minus strand). VCF-style: chr22-50526739-C-G. GRCh37 (hg19) VCF-style: chr22-50965168-C-G.
Other names: c.766-1G>C (NM_001257989.1, NM_001257988.1, NM_001113755.3 and 1 more transcripts).
Identifiers: ClinVar variation 2022397 (VCV002022397.4), dbSNP rs2148678936, ClinGen allele CA412199642.
Genomic context (GRCh38, chr22:50,526,739, plus strand): 5'-CTTGTCCATGGCGGTCAGCGCTGCCGCGACCCGAAGCCCTAGGCTGGCTCCCACGCCAAC[C>G]TGCGGAGAGGAGGCTCAGCGTGGACCCCCCATGGCGGGGCCTTCTGCAGCCGGTTCTTGG-3'

ClinVar aggregate classification (germline): Likely pathogenic (1 of 4 stars; one submission).

Submission:

Labcorp Genetics (formerly Invitae), Labcorp
Classification: Likely pathogenic. Last evaluated: 2022-08-07. Review status: criteria provided, single submitter. Criteria: Invitae Variant Classification Sherloc (09022015). Collection method: clinical testing. Allele origin: germline.
Comment: Algorithms developed to predict the effect of sequence changes on RNA splicing suggest that this variant may disrupt the consensus splice site. This variant has not been reported in the literature in individuals affected with TYMP-related conditions. This variant is not present in population databases (gnomAD no frequency). This sequence change affects an acceptor splice site in intron 6 of the TYMP gene. It is expected to disrupt RNA splicing. Variants that disrupt the donor or acceptor splice site typically lead to a loss of protein function (PMID: 16199547), and loss-of-function variants in TYMP are known to be pathogenic (PMID: 9924029, 15781193). In summary, the currently available evidence indicates that the variant is pathogenic, but additional data are needed to prove that conclusively. Therefore, this variant has been classified as Likely Pathogenic.

Literature cited by the submitters: PubMed 16199547; PubMed 9924029; PubMed 15781193.